The following continues an entry in ClinVar:

NM_000051.4(ATM):c.9022C>T (p.Arg3008Cys)

ClinVar aggregate classification (germline): Likely pathogenic. Likely pathogenic (1). ClinVar aggregate classification (somatic clinical impact): Tier II - Potential.

Submissions 18 to 23 of 23:

Athena Diagnostics
Classification: Pathogenic. Last evaluated: 2020-11-04. Review status: criteria provided, single submitter. Criteria: Athena Diagnostics criteria. Collection method: clinical testing. Allele origin: unknown. Not counted in ClinVar's aggregate classification.
Comment: The frequency of this variant in the general population is consistent with pathogenicity. This variant has been identified in at least one individual with clinical features associated with this gene. Assessment of experimental evidence suggests this variant results in abnormal protein function. This variant abolishes the protein's kinase activity (PMID: 19431188, 18573109). In multiple individuals, this variant has been seen with a single recessive pathogenic variant in the same gene, suggesting this variant may also be pathogenic. Computational tools predict that this variant is damaging. The variant is located in a region that is considered important for protein function and/or structure.

Revvity Omics, Revvity
Classification: Pathogenic for Ataxia-telangiectasia syndrome. Last evaluated: 2019-05-31. Review status: criteria provided, single submitter. Criteria: ACMG Guidelines, 2015. Collection method: clinical testing. Allele origin: germline. Not counted in ClinVar's aggregate classification.

Mendelics
Classification: Pathogenic for Ataxia-telangiectasia syndrome. Last evaluated: 2018-07-02. Review status: criteria provided, single submitter. Criteria: Mendelics Assertion Criteria 2017. Collection method: clinical testing. Allele origin: unknown. Not counted in ClinVar's aggregate classification.

Laboratory for Genotyping Development, RIKEN
Classification: Pathogenic for Gastric cancer. Last evaluated: 2021-07-01. Review status: no assertion criteria provided. Collection method: research. Allele origin: germline. Not counted in ClinVar's aggregate classification.

Counsyl
Classification: Likely pathogenic for Ataxia-telangiectasia syndrome. Last evaluated: 2014-08-06. Review status: no assertion criteria provided. Collection method: literature only. Allele origin: unknown. Inheritance: Autosomal recessive inheritance. Not counted in ClinVar's aggregate classification.

Department of Pathology and Laboratory Medicine, Sinai Health System
Classification: Pathogenic. Review status: no assertion criteria provided. Collection method: clinical testing. Allele origin: unknown. Affected: yes. Study: The Canadian Open Genetics Repository (COGR). Not counted in ClinVar's aggregate classification.
Comment: The ATM p.Arg3008Cys variant was identified in 3 of 1508 proband chromosomes (frequency: 0.002) from individuals or families with AtaxiaTelangiectasia and CLL (Navrkalova 2013, Reiman 2011, Skowronska 2012). The variant was also identified in ClinVar (classified as pathogenic by Ambry genetics, GeneDx, Invitae; classified as likely pathogenic by Counsyl), Cosmic (classified as pathogenic), MutDB, and ATM-LOVD databases. The variant was not identified in Genesight-COGR, and LOVD 3.0 databases. The variant was identified in control databases in 4 of 246188 chromosomes at a frequency of 0.000016 in the following populations: African in 1 of 15304 chromosomes (freq. 0.00006), East Asian in 1 of 17244 chromosomes (freq. 0.00006), European (Non-Finnish) in 2 of 111646 chromosomes (freq. 0.00002), but not seen in Ashkenazi Jewish, European (Finnish), Latino, South Asian or other populations increasing the likelihood this could be a low frequency benign variant (Genome Aggregation Consortium Feb 27, 2017)". The p.Arg3008 residue is conserved in mammals but not in more distantly related organisms, and four out of five computational analyses (PolyPhen-2, SIFT, AlignGVGD, BLOSUM, MutationTaster) suggest that the variant may impact the protein; however, this information is not predictive enough to assume pathogenicity. The variant occurs outside of the splicing consensus sequence and in silico or computational prediction software programs (SpliceSiteFinder, MaxEntScan, NNSPLICE, GeneSplicer, HumanSpliceFinder) do not predict a difference in splicing. The variant is located with the Phosphatidylinositol 3-/4-kinase, catalytic functional domain increasing the likelihood that it may have clinical significance. In addition, several studies reported the expressed R3008C mutant ATM protein showed absence of ATM kinase activity, and strongly suggest that the 9022C>T (R3008C) missense mutation is the disease causing mutation (Angele 2003, Austen 2008,). The Taylor (2005) identified this variant in homozygous state with total absence of ATM kinase activity, although the amount of ATM protein expressed was about half that of normal cells. In summary, based on the above information, this variant meets our laboratoryâ€šÃ„Ã´s criteria to be classified as pathogenic.

Literature cited by the submitters: PubMed 19431188 (cited by 7 submitters); PubMed 9872980 (cited by 8 submitters); PubMed 10817650 (cited by 6 submitters); PubMed 12552566 (cited by 9 submitters); PubMed 30549301 (cited by 7 submitters); PubMed 15101044 (cited by 4 submitters); PubMed 18573109 (cited by 8 submitters); PubMed 38207225 (cited by Institute for Genomic Medicine (IGM) Clinical Laboratory, Nationwide Children's Hospital); PubMed 22820256 (cited by Institute for Genomic Medicine (IGM) Clinical Laboratory, Nationwide Children's Hospital); PubMed 22832583 (cited by Institute for Genomic Medicine (IGM) Clinical Laboratory, Nationwide Children's Hospital); PubMed 14553952 (cited by Institute for Genomic Medicine (IGM) Clinical Laboratory, Nationwide Children's Hospital); PubMed 28726821 (cited by Institute for Genomic Medicine (IGM) Clinical Laboratory, Nationwide Children's Hospital); PubMed 26094658 (cited by 4 submitters); PubMed 26681312 (cited by 4 submitters); PubMed 21459046 (cited by 4 submitters); PubMed 21792198 (cited by Dasa and Color Diagnostics, LLC DBA Color Health); PubMed 26896183 (cited by Natera, Inc.); PubMed 35095854 (cited by Natera, Inc.); PubMed 30128536 (cited by Color Diagnostics, LLC DBA Color Health); PubMed 23585524 (cited by Myriad Genetics, Inc.); PubMed 22649200 (cited by 3 submitters); PubMed 9334731 (cited by 3 submitters); PubMed 20301790 (cited by Victorian Clinical Genetics Services, Murdoch Childrens Research Institute); PubMed 27884168 (cited by Victorian Clinical Genetics Services, Murdoch Childrens Research Institute); PubMed 32918381 (cited by Victorian Clinical Genetics Services, Murdoch Childrens Research Institute and Athena Diagnostics); PubMed 10706620 (cited by Athena Diagnostics and Counsyl); PubMed 9488043 (cited by Athena Diagnostics and Counsyl); PubMed 29482223 (cited by Athena Diagnostics); PubMed 22529920 (cited by Athena Diagnostics and Counsyl); PubMed 28767289 (cited by Athena Diagnostics); PubMed 32810930 (cited by Athena Diagnostics); PubMed 32694154 (cited by Athena Diagnostics); PubMed 32471518 (cited by Athena Diagnostics); PubMed 32002120 (cited by Athena Diagnostics); PubMed 31784493 (cited by Athena Diagnostics); PubMed 31691010 (cited by Athena Diagnostics); PubMed 36988593 (cited by Laboratory for Genotyping Development, RIKEN).